The following is an entry in ClinVar:

ClinVar aggregate classification (germline): Uncertain significance (1 of 4 stars; one submission).

Submission:

Labcorp Genetics (formerly Invitae), Labcorp
Classification: Uncertain significance. Last evaluated: 2022-10-19. Review status: criteria provided, single submitter. Criteria: Invitae Variant Classification Sherloc (09022015). Collection method: clinical testing. Allele origin: germline.
Comment: In summary, the available evidence is currently insufficient to determine the role of this variant in disease. Therefore, it has been classified as a Variant of Uncertain Significance. This variant has not been reported in the literature in individuals affected with SLC7A14-related conditions. This variant is not present in population databases (gnomAD no frequency). This sequence change creates a premature translational stop signal (p.Asp588Glufs*112) in the SLC7A14 gene. While this is not anticipated to result in nonsense mediated decay, it is expected to disrupt the last 184 amino acid(s) of the SLC7A14 protein.

NM_020949.3(SLC7A14):c.1764_1765del (p.Asp588fs)

Genes: SLC7A14-AS1 (SLC7A14 antisense RNA 1; plus strand), SLC7A14 (solute carrier family 7 member 14; minus strand). Cytogenetic location: 3q26.2.
Variant type: Deletion.
Coding change: c.1764_1765del on transcript NM_020949.3 (MANE Select); coding-DNA positions 1764 to 1765, 2 bases deleted (CT; older notation c.1764_1765delCT).
Protein change: p.Asp588fs; shifts the reading frame from aspartic acid 588.
Molecular consequence: frameshift variant.
Genome position (GRCh38, 1-based): chr3:170,480,517-170,480,518, AG deleted on the plus strand (CT on the coding strand, the reverse complement: SLC7A14 is on the minus strand). VCF-style (leftmost placement, unchanged base first): chr3-170480516-TAG-T. GRCh37 (hg19) VCF-style: chr3-170198305-TAG-T.
Other names: short protein forms D588fs.
Identifiers: ClinVar variation 2036221 (VCV002036221.4), dbSNP rs2473367161, ClinGen allele CA2580069072.
Genomic context (GRCh38, chr3:170,480,516, plus strand): 5'-CTGATCAGCAGCACCATCAGAACAACCAGAAGGATGGCCCACCAGCTCTGCTCTGAGATG[TAG>T]TCAGAACCAAAGATGATGAAGGAGCAGAAGATGAACATGAGGATGAAGAGCAGGAGCACG-3'